The following is an entry in ClinVar:

NM_001365536.1(SCN9A):c.5768A>T (p.Asp1923Val)

Genes: SCN9A (sodium voltage-gated channel alpha subunit 9; minus strand), SCN1A-AS1 (SCN1A and SCN9A antisense RNA 1; plus strand). Cytogenetic location: 2q24.3.
Variant type: single nucleotide variant.
Coding change: c.5768A>T on transcript NM_001365536.1 (MANE Select); coding-DNA position 5768, A replaced by T.
Protein change: p.Asp1923Val; replaces aspartic acid 1923 with valine.
Molecular consequence: missense variant.
Genome position (GRCh38, 1-based): chr2:166,198,871, T>A on the plus strand (A>T on the coding strand, the complement: SCN9A is on the minus strand). VCF-style: chr2-166198871-T-A. GRCh37 (hg19) VCF-style: chr2-167055381-T-A.
Other names: c.5735A>T, p.Asp1912Val (NM_002977.4); short protein forms D1912V, D1923V.
Identifiers: ClinVar variation 1036201 (VCV001036201.7), dbSNP rs1467666059, ClinGen allele CA349051545.

ClinVar aggregate classification (germline): Uncertain significance (1 of 4 stars; one submission).

Conditions:
Generalized epilepsy with febrile seizures plus, type 7 (GEFSP7). Also called: GEFS+, TYPE 7. Identifiers: Orphanet 36387, MedGen C2751778, MONDO:0013470, OMIM 613863.
Neuropathy, hereditary sensory and autonomic, type 2A (HSAN2A). Also called: NEUROPATHY, CONGENITAL SENSORY; NEUROPATHY, HEREDITARY SENSORY RADICULAR, AUTOSOMAL RECESSIVE; NEUROPATHY, HEREDITARY SENSORY, TYPE IIA; NEUROPATHY, PROGRESSIVE SENSORY, OF CHILDREN; WNK1-Related HSAN2 (HSAN2A); MORVAN DISEASE. Identifiers: Orphanet 970, MedGen C2752089, MONDO:0024309, OMIM 201300.

Allele frequency attached by ClinVar (database versions not stated): gnomAD exomes below 0.00001; gnomAD 0.00001; TOPMed 0.00001.

Submission:

Labcorp Genetics (formerly Invitae), Labcorp
Classification: Uncertain significance for Neuropathy, hereditary sensory and autonomic, type 2A; Generalized epilepsy with febrile seizures plus, type 7. Last evaluated: 2024-12-28. Review status: criteria provided, single submitter. Criteria: Invitae Variant Classification Sherloc (09022015). Collection method: clinical testing. Allele origin: germline.
Comment: This sequence change replaces aspartic acid, which is acidic and polar, with valine, which is neutral and non-polar, at codon 1912 of the SCN9A protein (p.Asp1912Val). This variant is present in population databases (no rsID available, gnomAD 0.007%). This variant has not been reported in the literature in individuals affected with SCN9A-related conditions. ClinVar contains an entry for this variant (Variation ID: 1036201). An algorithm developed to predict the effect of missense changes on protein structure and function outputs the following: PolyPhen-2: "Benign". The valine amino acid residue is found in multiple mammalian species, which suggests that this missense change does not adversely affect protein function. In summary, the available evidence is currently insufficient to determine the role of this variant in disease. Therefore, it has been classified as a Variant of Uncertain Significance.